The following is an entry in ClinVar:

NM_000426.4(LAMA2):c.9010G>T (p.Gly3004Cys)

Gene: LAMA2 (laminin subunit alpha 2; plus strand). Cytogenetic location: 6q22.33.
Variant type: single nucleotide variant.
Coding change: c.9010G>T on transcript NM_000426.4 (MANE Select); coding-DNA position 9010, G replaced by T.
Protein change: p.Gly3004Cys; replaces glycine 3004 with cysteine.
Molecular consequence: missense variant.
Genome position (GRCh38, 1-based): chr6:129,514,394, G>T. VCF-style: chr6-129514394-G-T. GRCh37 (hg19) VCF-style: chr6-129835539-G-T.
Other names: c.8998G>T, p.Gly3000Cys (NM_001079823.2); short protein forms G3004C, G3000C.
Identifiers: ClinVar variation 477525 (VCV000477525.9), dbSNP rs1264844768, ClinGen allele CA365636738.

ClinVar aggregate classification (germline): Uncertain significance (1 of 4 stars; one submission).

Conditions:
LAMA2-related muscular dystrophy (LAMA2-RD). Also called: Laminin alpha 2-related dystrophy. Identifiers: MedGen C5679788, MONDO:0100228.

gnomAD v4.1: 2 of 1,613,638 alleles (0.00012%); highest among the groups gnomAD compares: Non-Finnish European, 0.00017%; no homozygotes.

Submission:

Labcorp Genetics (formerly Invitae), Labcorp
Classification: Uncertain significance for LAMA2-related muscular dystrophy. Last evaluated: 2022-07-19. Review status: criteria provided, single submitter. Criteria: Invitae Variant Classification Sherloc (09022015). Collection method: clinical testing. Allele origin: germline.
Comment: In summary, the available evidence is currently insufficient to determine the role of this variant in disease. Therefore, it has been classified as a Variant of Uncertain Significance. Advanced modeling of protein sequence and biophysical properties (such as structural, functional, and spatial information, amino acid conservation, physicochemical variation, residue mobility, and thermodynamic stability) performed at Invitae indicates that this missense variant is not expected to disrupt LAMA2 protein function. ClinVar contains an entry for this variant (Variation ID: 477525). This variant has not been reported in the literature in individuals affected with LAMA2-related conditions. This variant is not present in population databases (gnomAD no frequency). This sequence change replaces glycine, which is neutral and non-polar, with cysteine, which is neutral and slightly polar, at codon 3004 of the LAMA2 protein (p.Gly3004Cys).